The following is an entry in ClinVar:

ClinVar aggregate classification (germline): Uncertain significance (1 of 4 stars; one submission).

Conditions:
Charcot-Marie-Tooth disease axonal type 2O. Also called: CHARCOT-MARIE-TOOTH NEUROPATHY, AXONAL, TYPE 2O; CHARCOT-MARIE-TOOTH DISEASE, AXONAL, AUTOSOMAL DOMINANT, TYPE 2O; Charcot-Marie-Tooth Neuropathy Type 2O; Charcot-Marie-Tooth disease, axonal, type 20. Identifiers: Orphanet 284232, MedGen C3280220, MONDO:0013644, OMIM 614228.

Submission:

Labcorp Genetics (formerly Invitae), Labcorp
Classification: Uncertain significance for Charcot-Marie-Tooth disease axonal type 2O. Last evaluated: 2025-02-12. Review status: criteria provided, single submitter. Criteria: Invitae Variant Classification Sherloc (09022015). Collection method: clinical testing. Allele origin: germline.
Comment: This sequence change replaces isoleucine, which is neutral and non-polar, with valine, which is neutral and non-polar, at codon 2532 of the DYNC1H1 protein (p.Ile2532Val). This variant is not present in population databases (gnomAD no frequency). This variant has not been reported in the literature in individuals affected with DYNC1H1-related conditions. ClinVar contains an entry for this variant (Variation ID: 2069025). Invitae Evidence Modeling of protein sequence and biophysical properties (such as structural, functional, and spatial information, amino acid conservation, physicochemical variation, residue mobility, and thermodynamic stability) indicates that this missense variant is not expected to disrupt DYNC1H1 protein function with a negative predictive value of 95%. In summary, the available evidence is currently insufficient to determine the role of this variant in disease. Therefore, it has been classified as a Variant of Uncertain Significance.

NM_001376.5(DYNC1H1):c.7594A>G (p.Ile2532Val)

Gene: DYNC1H1 (dynein cytoplasmic 1 heavy chain 1; plus strand). Cytogenetic location: 14q32.31.
Variant type: single nucleotide variant.
Coding change: c.7594A>G on transcript NM_001376.5 (MANE Select); coding-DNA position 7594, A replaced by G.
Protein change: p.Ile2532Val; replaces isoleucine 2532 with valine.
Molecular consequence: missense variant.
Genome position (GRCh38, 1-based): chr14:102,016,469, A>G. VCF-style: chr14-102016469-A-G. GRCh37 (hg19) VCF-style: chr14-102482806-A-G.
Other names: short protein forms I2532V.
Identifiers: ClinVar variation 2069025 (VCV002069025.4), dbSNP rs2503770174, ClinGen allele CA391002471.